The following is an entry in ClinVar:

ClinVar aggregate classification (germline): Uncertain significance (1 of 4 stars; one submission).

Submission:

Labcorp Genetics (formerly Invitae), Labcorp
Classification: Uncertain significance. Last evaluated: 2023-12-11. Review status: criteria provided, single submitter. Criteria: Invitae Variant Classification Sherloc (09022015). Collection method: clinical testing. Allele origin: germline.
Comment: This sequence change replaces glutamic acid, which is acidic and polar, with alanine, which is neutral and non-polar, at codon 1778 of the ADGRV1 protein (p.Glu1778Ala). This variant is not present in population databases (gnomAD no frequency). This variant has not been reported in the literature in individuals affected with ADGRV1-related conditions. ClinVar contains an entry for this variant (Variation ID: 1922940). Advanced modeling of protein sequence and biophysical properties (such as structural, functional, and spatial information, amino acid conservation, physicochemical variation, residue mobility, and thermodynamic stability) performed at Invitae indicates that this missense variant is not expected to disrupt ADGRV1 protein function with a negative predictive value of 95%. In summary, the available evidence is currently insufficient to determine the role of this variant in disease. Therefore, it has been classified as a Variant of Uncertain Significance.

NM_032119.4(ADGRV1):c.5333A>C (p.Glu1778Ala)

Gene: ADGRV1 (adhesion G protein-coupled receptor V1; plus strand). Cytogenetic location: 5q14.3.
Variant type: single nucleotide variant.
Coding change: c.5333A>C on transcript NM_032119.4 (MANE Select); coding-DNA position 5333, A replaced by C.
Protein change: p.Glu1778Ala; replaces glutamic acid 1778 with alanine.
Molecular consequence: missense variant. On other transcripts: non-coding transcript variant (1).
Genome position (GRCh38, 1-based): chr5:90,676,099, A>C. VCF-style: chr5-90676099-A-C. GRCh37 (hg19) VCF-style: chr5-89971916-A-C.
Other names: short protein forms E1778A.
Identifiers: ClinVar variation 1922940 (VCV001922940.5), dbSNP rs2530744484, ClinGen allele CA360410565.